The following is an entry in ClinVar:

NC_000008.10:g.(?_100205094)_(100287492_?)dup

Gene: VPS13B (vacuolar protein sorting 13 homolog B; plus strand). Cytogenetic location: 8q22.2.
Variant type: Duplication.
Identifiers: ClinVar variation 2426401 (VCV002426401.4).

ClinVar aggregate classification (germline): Likely pathogenic (1 of 4 stars; one submission).

Conditions:
Cohen syndrome (COH1). Also called: Cutis verticis gyrata, retinitis pigmentosa, and sensorineural deafness; PEPPER SYNDROME. Identifiers: Orphanet 193, MedGen C0265223, MONDO:0008999, OMIM 216550.

Submission:

Labcorp Genetics (formerly Invitae), Labcorp
Classification: Likely pathogenic for Cohen syndrome. Last evaluated: 2022-05-16. Review status: criteria provided, single submitter. Criteria: Invitae Variant Classification Sherloc (09022015). Collection method: clinical testing. Allele origin: germline.
Comment: This variant results in a copy number gain of the genomic region encompassing exon(s) 17-19 of the VPS13B gene. While the exact position of this variant cannot be determined from the data, sub-genic copy number gains are generally in tandem (PMID: 25640679). This variant is predicted to be out-of-frame, and may result in an absent or disrupted protein product. Loss-of-function variants in VPS13B are known to be pathogenic (PMID: 15141358, 16648375, 20461111). This variant has not been reported in the literature in individuals affected with VPS13B-related conditions. In summary, the currently available evidence indicates that the variant is pathogenic, but additional data are needed to prove that conclusively. Therefore, this variant has been classified as Likely Pathogenic.

Literature cited by the submitters: PubMed 25640679; PubMed 15141358; PubMed 16648375; PubMed 20461111.